The following is an entry in ClinVar:

NM_199037.3(SCN1B):c.749G>C (p.Arg250Thr)

Gene: SCN1B (sodium voltage-gated channel beta subunit 1; plus strand). Cytogenetic location: 19q13.11.
Variant type: single nucleotide variant.
Coding change: c.749G>C on transcript NM_199037.3; coding-DNA position 749, G replaced by C.
Protein change: p.Arg250Thr; replaces arginine 250 with threonine.
Molecular consequence: intron variant (on NM_001037.5). On other transcripts: missense variant (1).
Genome position (GRCh38, 1-based): chr19:35,034,040, G>C. VCF-style: chr19-35034040-G-C. GRCh37 (hg19) VCF-style: chr19-35524944-G-C.
Other names: p.R250T:AGG>ACG; c.749G>C, p.Arg250Thr (NM_199037.5); c.448+301G>C (NM_001037.5); c.349+301G>C (NM_001321605.2); short protein forms R250T.
Identifiers: ClinVar variation 36756 (VCV000036756.21), dbSNP rs67486287, ClinGen allele CA214232.

ClinVar aggregate classification (germline): Benign. Review status: criteria provided, multiple submitters, no conflicts (2 of 4 stars). 10 submissions from 10 submitters: Benign (6). 4 of the submissions do not count toward it. Last evaluated 2026-02-04.

Conditions:
Cardiac arrhythmia. Also called: Arrhythmia; Cardiac rhythm disease. Identifiers: MedGen C0003811, MONDO:0007263, HP:0011675.
Brugada syndrome 5 (BRGDA5). Identifiers: Orphanet 130, Orphanet 871, MedGen C2748541, MONDO:0013015, OMIM 612838.

Allele frequency attached by ClinVar (database versions not stated): TOPMed 0.12700; ESP Exome Variant Server 0.11644; 1000 Genomes Project 30x 0.11446; 1000 Genomes Project 0.11921.
gnomAD v4.1: 220,001 of 1,549,996 alleles (14%); highest among the groups gnomAD compares: East Asian, 20%; 16,715 homozygotes.

Submissions (10):

Labcorp Genetics (formerly Invitae), Labcorp
Classification: Benign for Brugada syndrome 5. Last evaluated: 2026-02-04. Review status: criteria provided, single submitter. Criteria: Invitae Variant Classification Sherloc (09022015). Collection method: clinical testing. Allele origin: germline.

Blueprint Genetics
Classification: Benign. Last evaluated: 2024-11-28. Review status: criteria provided, single submitter. Criteria: ACMG Guidelines, 2015. Collection method: clinical testing. Allele origin: germline.

Unidad de Genómica Garrahan, Hospital de Pediatría Garrahan
Classification: Benign. Last evaluated: 2024-07-31. Review status: criteria provided, single submitter. Criteria: ACMG Guidelines, 2015. Collection method: clinical testing. Allele origin: germline. Affected: no. Observed: 29 variant alleles.
Comment: This variant is classified as Benign based on local population frequency. This variant was detected in 31% of patients studied in a panel designed for Epileptic and Developmental Encephalopathy, Progressive Myoclonus Epilepsy and Abnormal Movements and Neurodegeneration with brain iron accumulation. Number of patients: 29. Only high quality variants are reported.

GeneDx
Classification: Benign. Last evaluated: 2013-07-22. Review status: criteria provided, single submitter. Criteria: GeneDx Variant Classification (06012015). Collection method: clinical testing. Allele origin: germline. Affected: yes.
Comment: This variant is considered likely benign or benign based on one or more of the following criteria: it is a conservative change, it occurs at a poorly conserved position in the protein, it is predicted to be benign by multiple in silico algorithms, and/or has population frequency not consistent with disease.

Biesecker Lab/Clinical Genomics Section, National Institutes of Health
Classification: Benign. Last evaluated: 2013-06-24. Review status: criteria provided, single submitter. Criteria: Ng et al. (Circ Cardiovasc Genet. 2013). Collection method: research. Allele origin: unknown. Observed: 43 variant alleles. Study: ClinSeq.
Comment: The study set was not selected for affection status in relation to any cancer. Pathogenicity categories were based on literature curation. See Pubmed ID:23861362 for details.

Medical sequencing

Breakthrough Genomics
Classification: Benign. Review status: criteria provided, single submitter. Criteria: ACMG Guidelines, 2015. Collection method: not provided. Allele origin: germline. Inheritance: Autosomal recessive inheritance. Affected: yes.

Women's Health and Genetics/Laboratory Corporation of America, LabCorp
Classification: Benign for Arrhythmia. Last evaluated: 2013-04-22. Review status: no assertion criteria provided. Collection method: clinical testing. Allele origin: germline. Not counted in ClinVar's aggregate classification.

Clinical Genetics, Academic Medical Center
Classification: Benign. Review status: no assertion criteria provided. Collection method: clinical testing. Allele origin: germline. Affected: yes. Study: VKGL Data-share Consensus. Not counted in ClinVar's aggregate classification.

Genome Diagnostics Laboratory, University Medical Center Utrecht
Classification: Benign. Review status: no assertion criteria provided. Collection method: clinical testing. Allele origin: germline. Affected: yes. Study: VKGL Data-share Consensus. Not counted in ClinVar's aggregate classification.

Joint Genome Diagnostic Labs from Nijmegen and Maastricht, Radboudumc and MUMC+
Classification: Benign. Review status: no assertion criteria provided. Collection method: clinical testing. Allele origin: germline. Affected: yes. Study: VKGL Data-share Consensus. Not counted in ClinVar's aggregate classification.